The following is an entry in ClinVar:

NM_000059.4(BRCA2):c.2624T>C (p.Val875Ala)

Gene: BRCA2 (BRCA2 DNA repair associated; plus strand). Cytogenetic location: 13q13.1.
Variant type: single nucleotide variant.
Coding change: c.2624T>C on transcript NM_000059.4 (MANE Select); coding-DNA position 2624, T replaced by C.
Protein change: p.Val875Ala; replaces valine 875 with alanine.
Molecular consequence: missense variant.
Genome position (GRCh38, 1-based): chr13:32,336,979, T>C. VCF-style: chr13-32336979-T-C. GRCh37 (hg19) VCF-style: chr13-32911116-T-C.
Other names: short protein forms V875A.
Identifiers: ClinVar variation 1492696 (VCV001492696.13), dbSNP rs2137488298, ClinGen allele CA387773207.

ClinVar aggregate classification (germline): Conflicting classifications of pathogenicity. Review status: criteria provided, conflicting classifications (1 of 4 stars). 3 submissions from 3 submitters: Uncertain significance (2); Likely benign (1). Last evaluated 2024-08-13.

Conditions:
Hereditary cancer-predisposing syndrome. Also called: Tumor predisposition; Hereditary neoplastic syndrome; Neoplastic Syndromes, Hereditary; Hereditary Cancer Syndrome. Identifiers: Orphanet 140162, MedGen C0027672, MeSH D009386, MONDO:0015356.
Hereditary breast ovarian cancer syndrome. Also called: Hereditary breast and ovarian cancer; Hereditary breast and ovarian cancer syndrome; Hereditary breast and/or ovarian cancer syndrome; Hereditary breast and ovarian cancer syndrome (HBOC); Breast and ovarian cancer; BRCA1- and BRCA2-Associated Hereditary Breast and Ovarian Cancer. Identifiers: Orphanet 145, MedGen C0677776, MeSH D061325, MONDO:0003582. Disease mechanism: loss of function.

Submissions (3):

Labcorp Genetics (formerly Invitae), Labcorp
Classification: Uncertain significance for Hereditary breast ovarian cancer syndrome. Last evaluated: 2024-08-13. Review status: criteria provided, single submitter. Criteria: Invitae Variant Classification Sherloc (09022015). Collection method: clinical testing. Allele origin: germline.
Comment: This sequence change replaces valine, which is neutral and non-polar, with alanine, which is neutral and non-polar, at codon 875 of the BRCA2 protein (p.Val875Ala). This variant is not present in population databases (gnomAD no frequency). This variant has not been reported in the literature in individuals affected with BRCA2-related conditions. ClinVar contains an entry for this variant (Variation ID: 1492696). Invitae Evidence Modeling of protein sequence and biophysical properties (such as structural, functional, and spatial information, amino acid conservation, physicochemical variation, residue mobility, and thermodynamic stability) indicates that this missense variant is not expected to disrupt BRCA2 protein function with a negative predictive value of 95%. In summary, the available evidence is currently insufficient to determine the role of this variant in disease. Therefore, it has been classified as a Variant of Uncertain Significance.

University of Washington Department of Laboratory Medicine, University of Washington
Classification: Likely benign for Hereditary cancer-predisposing syndrome. Last evaluated: 2023-03-23. Review status: criteria provided, single submitter. Criteria: Dines et al. (Genet Med. 2020). Collection method: curation. Allele origin: germline.
Comment: Missense variant in a coldspot region where missense variants are very unlikely to be pathogenic (PMID:31911673).

BRCA2 exon 11 coldspot. Reclassification based on statistical prior probability.

Ambry Genetics
Classification: Uncertain significance for Hereditary cancer-predisposing syndrome. Last evaluated: 2023-02-28. Review status: criteria provided, single submitter. Criteria: Ambry Variant Classification Scheme 2023. Collection method: clinical testing. Allele origin: germline.
Comment: The p.V875A variant (also known as c.2624T>C), located in coding exon 10 of the BRCA2 gene, results from a T to C substitution at nucleotide position 2624. The valine at codon 875 is replaced by alanine, an amino acid with similar properties. This amino acid position is not well conserved in available vertebrate species. In addition, this alteration is predicted to be tolerated by in silico analysis. Since supporting evidence is limited at this time, the clinical significance of this alteration remains unclear.